The following is an entry in ClinVar:

ClinVar aggregate classification (germline): Uncertain significance (1 of 4 stars; one submission).

Submission:

GeneDx
Classification: Uncertain significance. Last evaluated: 2023-11-20. Review status: criteria provided, single submitter. Criteria: GeneDx Variant Classification Process June 2021. Collection method: clinical testing. Allele origin: germline. Affected: yes.
Comment: Not observed at significant frequency in large population cohorts (gnomAD); In silico analysis supports that this missense variant has a deleterious effect on protein structure/function; Has not been previously published as pathogenic or benign to our knowledge

NM_015100.4(POGZ):c.2396G>T (p.Ser799Ile)

Gene: POGZ (pogo transposable element derived with ZNF domain; minus strand). Cytogenetic location: 1q21.3.
Variant type: single nucleotide variant.
Coding change: c.2396G>T on transcript NM_015100.4 (MANE Select); coding-DNA position 2396, G replaced by T.
Protein change: p.Ser799Ile; replaces serine 799 with isoleucine.
Molecular consequence: missense variant.
Genome position (GRCh38, 1-based): chr1:151,407,271, C>A on the plus strand (G>T on the coding strand, the complement: POGZ is on the minus strand). VCF-style: chr1-151407271-C-A. GRCh37 (hg19) VCF-style: chr1-151379747-C-A.
Other names: c.2369G>T, p.Ser790Ile (NM_001194937.2); c.2210G>T, p.Ser737Ile (NM_001194938.2); c.2417G>T, p.Ser806Ile (NM_001410860.1); c.2111G>T, p.Ser704Ile (NM_145796.4); c.2237G>T, p.Ser746Ile (NM_207171.2); short protein forms S704I, S737I, S746I, S790I, S799I, S806I.
Identifiers: ClinVar variation 3364415 (VCV003364415.1).